The following is an entry in ClinVar:

NM_002485.5(NBN):c.1697dup (p.Leu566fs)

Gene: NBN (nibrin; minus strand). Cytogenetic location: 8q21.3.
Variant type: Duplication.
Coding change: c.1697dup on transcript NM_002485.5 (MANE Select); coding-DNA position 1697, one base duplicated (T; older notation c.1697dupT).
Protein change: p.Leu566fs; shifts the reading frame from leucine 566.
Molecular consequence: frameshift variant.
Genome position (GRCh38, 1-based): chr8:89,953,392, A duplicated on the plus strand (T on the coding strand, the reverse complement: NBN is on the minus strand); the first of 2 consecutive A bases (chr8:89,953,392-89,953,393); duplicating either gives the same sequence. VCF-style (leftmost placement, unchanged base first): chr8-89953391-T-TA. GRCh37 (hg19) VCF-style: chr8-90965619-T-TA.
Other names: c.1697dupT (NM_002485.4); c.1451dup, p.Leu484fs (NM_001024688.3); short protein forms L566fs, L484fs.
Identifiers: ClinVar variation 658743 (VCV000658743.8), dbSNP rs1586053378, ClinGen allele CA915945771.

ClinVar aggregate classification (germline): Pathogenic (1 of 4 stars; one submission).

Conditions:
Microcephaly, normal intelligence and immunodeficiency (NBS). Also called: BERLIN BREAKAGE SYNDROME; Immunodeficiency, microcephaly with normal intelligence; SEEMANOVA SYNDROME II; Ataxia telangiectasia variant V1; Nijmegen breakage syndrome; IMMUNODEFICIENCY, MICROCEPHALY, AND CHROMOSOMAL INSTABILITY. Identifiers: Orphanet 647, MedGen C0398791, MONDO:0009623, OMIM 251260.

Submission:

Labcorp Genetics (formerly Invitae), Labcorp
Classification: Pathogenic for Microcephaly, normal intelligence and immunodeficiency. Last evaluated: 2021-10-18. Review status: criteria provided, single submitter. Criteria: Invitae Variant Classification Sherloc (09022015). Collection method: clinical testing. Allele origin: germline.
Comment: For these reasons, this variant has been classified as Pathogenic. Loss-of-function variants in NBN are known to be pathogenic (PMID: 9590180, 16415040). This variant has not been reported in the literature in individuals with NBN-related conditions. ClinVar contains an entry for this variant (Variation ID: 658743). This variant is not present in population databases (ExAC no frequency). This sequence change creates a premature translational stop signal (p.Leu566Phefs*12) in the NBN gene. It is expected to result in an absent or disrupted protein product.

Literature cited by the submitters: PubMed 9590180; PubMed 16415040.